The following is an entry in ClinVar:

ClinVar aggregate classification (germline): Likely pathogenic. Review status: criteria provided, multiple submitters, no conflicts (2 of 4 stars). 3 submissions from 3 submitters: Likely pathogenic (2). 1 of the submissions does not count toward it. Last evaluated 2026-04-17.

Conditions:
Dilated cardiomyopathy 1G (CMD1G). Identifiers: Orphanet 154, MedGen C1858763, MONDO:0011400, OMIM 604145.
Autosomal recessive limb-girdle muscular dystrophy type 2J (LGMDR10). Also called: Limb-girdle muscular dystrophy, type 2J; MUSCULAR DYSTROPHY, LIMB-GIRDLE, AUTOSOMAL RECESSIVE 10. Identifiers: Orphanet 140922, MedGen C1837342, MONDO:0012127, OMIM 608807.

gnomAD v4.1: 1 of 1,613,228 alleles (0.000062%); highest among the groups gnomAD compares: Non-Finnish European, 0.000085%; no homozygotes.

Submissions (3):

GeneDx
Classification: Likely pathogenic. Last evaluated: 2026-04-17. Review status: criteria provided, single submitter. Criteria: GeneDx Variant Classification Process June 2021. Collection method: clinical testing. Allele origin: germline.
Comment: Nonsense variant predicted to result in protein truncation or nonsense mediated decay in a gene for which loss of function is a known mechanism of disease; Located in the A-band, a region of TTN for which truncating variants are significantly associated with autosomal dominant cardiomyopathy and also with autosomal recessive skeletal myopathies (PMID: 22335739, 32778822); Identified in a patient with cardiomyopathy in published literature (PMID: 39844436); Not observed at significant frequency in large population cohorts (gnomAD); This variant is associated with the following publications: (PMID: 22335739, 32778822, 34135346, 39844436)

Labcorp Genetics (formerly Invitae), Labcorp
Classification: Likely pathogenic for Dilated cardiomyopathy 1G; Autosomal recessive limb-girdle muscular dystrophy type 2J. Last evaluated: 2024-08-27. Review status: criteria provided, single submitter. Criteria: Invitae Variant Classification Sherloc (09022015). Collection method: clinical testing. Allele origin: germline.
Comment: This sequence change creates a premature translational stop signal (p.Trp22584*) in the TTN gene. While this is not anticipated to result in nonsense mediated decay, it is expected to create a truncated TTN protein. This variant is not present in population databases (gnomAD no frequency). This variant has not been reported in the literature in individuals affected with TTN-related conditions. This variant is located in the A band of TTN (PMID: 25589632). Truncating variants in this region are significantly overrepresented in patients affected with dilated cardiomyopathy (PMID: 25589632). Truncating variants in this region have also been reported in individuals affected with autosomal recessive centronuclear myopathy (PMID: 23975875). In summary, the currently available evidence indicates that the variant is pathogenic, but additional data are needed to prove that conclusively. Therefore, this variant has been classified as Likely Pathogenic.

Cardiogenetics and Myogenetics Molecular and Cellular Functional Unit, Aphp Sorbonne University-Hopital Pitie Salpetriere
Classification: Likely pathogenic for Dilated cardiomyopathy 1G. Last evaluated: 2024-01-06. Review status: no assertion criteria provided. Collection method: clinical testing. Allele origin: germline. Affected: yes. Not counted in ClinVar's aggregate classification.

Literature cited by the submitters: PubMed 25589632 (cited by Labcorp Genetics (formerly Invitae), Labcorp); PubMed 23975875 (cited by Labcorp Genetics (formerly Invitae), Labcorp).

NM_001267550.2(TTN):c.67751G>A (p.Trp22584Ter)

Genes: TTN (titin; minus strand), TTN-AS1 (TTN antisense RNA 1; plus strand), LOC126806423 (CDK7 strongly-dependent group 2 enhancer GRCh37_chr2:179443309-179444508; plus strand). Cytogenetic location: 2q31.2.
Variant type: single nucleotide variant.
Coding change: c.67751G>A on transcript NM_001267550.2 (MANE Select); coding-DNA position 67751, G replaced by A.
Protein change: p.Trp22584Ter; replaces tryptophan 22584 with a stop codon.
Molecular consequence: nonsense.
Genome position (GRCh38, 1-based): chr2:178,579,279, C>T on the plus strand (G>A on the coding strand, the complement: TTN is on the minus strand). VCF-style: chr2-178579279-C-T. GRCh37 (hg19) VCF-style: chr2-179444006-C-T.
Other names: c.62828G>A, p.Trp20943Ter (NM_001256850.1); c.40556G>A, p.Trp13519Ter (NM_003319.4); c.60047G>A, p.Trp20016Ter (NM_133378.4); c.40931G>A, p.Trp13644Ter (NM_133432.3); c.41132G>A, p.Trp13711Ter (NM_133437.4); short protein forms W13519*, W13644*, W13711*, W20016*, W20943*, W22584*.
Identifiers: ClinVar variation 3362936 (VCV003362936.4).
Genomic context (GRCh38, chr2:178,579,279, plus strand): 5'-ACCGCAGATGACTCAACACTGACTCTAGTGTCAGTTGCTAGAGGATCTTCCCCTTTCTTC[C>T]AGGAGACTGATGGAGCTGGCTTGCCTTTTATGGGGATCTTAAGCCGGAAGTTGCTGTTTT-3'